The following is an entry in ClinVar:

NM_000454.5(SOD1):c.257G>A (p.Gly86Asp)

Gene: SOD1 (superoxide dismutase 1; plus strand). Cytogenetic location: 21q22.11.
Variant type: single nucleotide variant.
Coding change: c.257G>A on transcript NM_000454.5 (MANE Select); coding-DNA position 257, G replaced by A.
Protein change: p.Gly86Asp; replaces glycine 86 with aspartic acid.
Molecular consequence: missense variant.
Genome position (GRCh38, 1-based): chr21:31,667,275, G>A. VCF-style: chr21-31667275-G-A. GRCh37 (hg19) VCF-style: chr21-33039588-G-A.
Other names: short protein forms G86D.
Identifiers: ClinVar variation 4854434 (VCV004854434.1).
Genomic context (GRCh38, chr21:31,667,275, plus strand): 5'-AGTGGCATCAGCCCTAATCCATCTGATGCTTTTTCATTATTAGGCATGTTGGAGACTTGG[G>A]CAATGTGACTGCTGACAAAGATGGTGTGGCCGATGTGTCTATTGAAGATTCTGTGATCTC-3'
Protein context (NP_000445.1, residues 76-96): KDEERHVGDL[Gly86Asp]NVTADKDGVA

ClinVar aggregate classification (germline): Uncertain significance (1 of 4 stars; one submission).

Conditions:
Spastic tetraplegia and axial hypotonia, progressive. Also called: SOD1 DEFICIENCY, AUTOSOMAL RECESSIVE. Identifiers: MedGen C5231422, MONDO:0032828, OMIM 618598.

Submission:

3billion
Classification: Uncertain significance for Spastic tetraplegia and axial hypotonia, progressive. Last evaluated: 2026-01-27. Review status: criteria provided, single submitter. Criteria: ACMG Guidelines, 2015. Collection method: clinical testing. Allele origin: germline. Affected: yes.
Comment: The variant is not observed in the gnomAD v4.1.0 dataset. Predicted Consequence/Location: Missense variant In silico tool predictions suggest damaging effect of the variant on gene or gene product [REVEL: 0.90 (>=0.6, sensitivity 0.68 and specificity 0.92); 3Cnet: 0.97 (> 0.75, sensitivity 0.96 and precision 0.92)]. Different missense changes at the same codon (p.Gly86Arg, p.Gly86Cys, p.Gly86Ser) have been reported as pathogenic/likely pathogenic with strong evidence (ClinVar ID: VCV000014758, VCV000932081 /PMID: 20075587, 35193472, 8446170). Therefore, this variant is classified as VUS according to the recommendation of ACMG/AMP guideline.

Literature cited by the submitters: PubMed 20075587.